The following is an entry in ClinVar:

NM_001844.5(COL2A1):c.728G>A (p.Gly243Asp)

Gene: COL2A1 (collagen type II alpha 1 chain; minus strand). Cytogenetic location: 12q13.11.
Variant type: single nucleotide variant.
Coding change: c.728G>A on transcript NM_001844.5 (MANE Select); coding-DNA position 728, G replaced by A.
Protein change: p.Gly243Asp; replaces glycine 243 with aspartic acid.
Molecular consequence: missense variant.
Genome position (GRCh38, 1-based): chr12:47,995,289, C>T on the plus strand (G>A on the coding strand, the complement: COL2A1 is on the minus strand). VCF-style: chr12-47995289-C-T. GRCh37 (hg19) VCF-style: chr12-48389072-C-T.
Other names: c.521G>A, p.Gly174Asp (NM_033150.3); short protein forms G174D, G243D.
Identifiers: ClinVar variation 3765801 (VCV003765801.1).

ClinVar aggregate classification (germline): Likely pathogenic (1 of 4 stars; one submission).

Conditions:
COL2A1-related disorder. Also called: COL2A1-related condition; COL2A1-related disorders.

Submission:

Greenwood Genetic Center Diagnostic Laboratories, Greenwood Genetic Center
Classification: Likely pathogenic for COL2A1-related disorder. Last evaluated: 2024-12-03. Review status: criteria provided, single submitter. Criteria: ACMG Guidelines, 2015. Collection method: clinical testing. Allele origin: germline. Affected: yes.
Comment: PM1, PM2, PP2, PP3